The following is an entry in ClinVar:

NM_005993.5(TBCD):c.1454C>T (p.Pro485Leu)

Gene: TBCD (tubulin folding cofactor D). Cytogenetic location: 17q25.3.
Variant type: single nucleotide variant.
Coding change: c.1454C>T on transcript NM_005993.5 (MANE Select); coding-DNA position 1454, C replaced by T.
Protein change: p.Pro485Leu; replaces proline 485 with leucine.
Molecular consequence: missense variant.
Genome position (GRCh38, 1-based): chr17:82,870,359, C>T. VCF-style: chr17-82870359-C-T. GRCh37 (hg19) VCF-style: chr17-80828235-C-T.
Other names: short protein forms P485L.
Identifiers: ClinVar variation 1476858 (VCV001476858.5), dbSNP rs530406016, ClinGen allele CA8862564.

ClinVar aggregate classification (germline): Uncertain significance (1 of 4 stars; one submission).

Allele frequency attached by ClinVar (database versions not stated): gnomAD 0.00001; TOPMed 0.00001; 1000 Genomes Project 30x 0.00016; 1000 Genomes Project 0.00020.
gnomAD v4.1: 4 of 1,613,134 alleles (0.00025%); highest among the groups gnomAD compares: South Asian, 0.0011%; no homozygotes.

Submission:

Labcorp Genetics (formerly Invitae), Labcorp
Classification: Uncertain significance. Last evaluated: 2024-02-24. Review status: criteria provided, single submitter. Criteria: Invitae Variant Classification Sherloc (09022015). Collection method: clinical testing. Allele origin: germline.
Comment: This sequence change replaces proline, which is neutral and non-polar, with leucine, which is neutral and non-polar, at codon 485 of the TBCD protein (p.Pro485Leu). This variant is present in population databases (rs530406016, gnomAD 0.003%). This variant has not been reported in the literature in individuals affected with TBCD-related conditions. ClinVar contains an entry for this variant (Variation ID: 1476858). Advanced modeling of protein sequence and biophysical properties (such as structural, functional, and spatial information, amino acid conservation, physicochemical variation, residue mobility, and thermodynamic stability) has been performed at Invitae for this missense variant, however the output from this modeling did not meet the statistical confidence thresholds required to predict the impact of this variant on TBCD protein function. In summary, the available evidence is currently insufficient to determine the role of this variant in disease. Therefore, it has been classified as a Variant of Uncertain Significance.